The following is an entry in ClinVar:

NM_001384474.1(LOXHD1):c.1843C>A (p.Arg615=)

Gene: LOXHD1 (lipoxygenase homology PLAT domains 1; minus strand). Cytogenetic location: 18q21.1.
Variant type: single nucleotide variant.
Coding change: c.1843C>A on transcript NM_001384474.1 (MANE Select); coding-DNA position 1843, C replaced by A.
Protein change: p.Arg615=; no amino-acid change (arginine 615 retained).
Molecular consequence: synonymous variant.
Genome position (GRCh38, 1-based): chr18:46,577,834, G>T on the plus strand (C>A on the coding strand, the complement: LOXHD1 is on the minus strand). VCF-style: chr18-46577834-G-T. GRCh37 (hg19) VCF-style: chr18-44157797-G-T.
Other names: c.1843C>A, p.Arg615= (NM_144612.7).
Identifiers: ClinVar variation 178400 (VCV000178400.24), dbSNP rs112463030, ClinGen allele CA182254.

ClinVar aggregate classification (germline): Conflicting classifications of pathogenicity. Review status: criteria provided, conflicting classifications (1 of 4 stars). 7 submissions from 7 submitters: Uncertain significance (1); Benign (4). 2 of the submissions do not count toward it. Last evaluated 2026-01-28.

Conditions:
Autosomal recessive nonsyndromic hearing loss 77. Identifiers: Orphanet 90636, MedGen C2746083, MONDO:0013119, OMIM 613079.

Allele frequency attached by ClinVar (database versions not stated): 1000 Genomes Project 0.00479; gnomAD 0.00507; 1000 Genomes Project 30x 0.00515; TOPMed 0.00608; ESP Exome Variant Server 0.00745.
gnomAD v4.1: 1,555 of 1,551,590 alleles (0.1%); highest among the groups gnomAD compares: African/African-American, 1.8%; 16 homozygotes.

Submissions (7):

Labcorp Genetics (formerly Invitae), Labcorp
Classification: Benign. Last evaluated: 2026-01-28. Review status: criteria provided, single submitter. Criteria: Invitae Variant Classification Sherloc (09022015). Collection method: clinical testing. Allele origin: germline.

GeneDx
Classification: Benign. Last evaluated: 2018-11-15. Review status: criteria provided, single submitter. Criteria: GeneDx Variant Classification Process June 2021. Collection method: clinical testing. Allele origin: germline. Affected: yes.

Illumina Laboratory Services, Illumina
Classification: Uncertain significance for Autosomal recessive nonsyndromic hearing loss 77. Last evaluated: 2017-04-27. Review status: criteria provided, single submitter. Criteria: ICSL Variant Classification Criteria 13 December 2019. Collection method: clinical testing. Allele origin: germline.

Laboratory for Molecular Medicine, Mass General Brigham Personalized Medicine
Classification: Benign. Last evaluated: 2012-04-30. Review status: criteria provided, single submitter. Criteria: LMM Criteria. Collection method: clinical testing. Allele origin: germline. Observed: 5 variant alleles.
Comment: Arg615Arg in Exon 14 of LOXHD1: This variant is not expected to have clinical si gnificance because it does not alter an amino acid residue, is not located withi n the splice consensus sequence, and has been identified in 2.3% (16/702) of Afr ican American chromosomes from a broad population by the NHLBI Exome Sequencing Project (dbSNP rs112463030).

PreventionGenetics, part of Exact Sciences
Classification: Benign. Review status: criteria provided, single submitter. Criteria: ACMG Guidelines, 2015. Collection method: clinical testing. Allele origin: germline.

Natera, Inc.
Classification: Benign for Autosomal recessive deafness type 77. Last evaluated: 2019-12-10. Review status: no assertion criteria provided. Collection method: clinical testing. Allele origin: germline. Not counted in ClinVar's aggregate classification.

Counsyl
Classification: Likely benign for Autosomal recessive nonsyndromic hearing loss 77. Last evaluated: 2017-12-14. Review status: no assertion criteria provided. Collection method: clinical testing. Allele origin: unknown. Not counted in ClinVar's aggregate classification.